The following is an entry in ClinVar:

ClinVar aggregate classification (germline): Likely pathogenic (1 of 4 stars; one submission).

Submission:

Labcorp Genetics (formerly Invitae), Labcorp
Classification: Likely pathogenic. Last evaluated: 2023-08-17. Review status: criteria provided, single submitter. Criteria: Invitae Variant Classification Sherloc (09022015). Collection method: clinical testing. Allele origin: germline.
Comment: In summary, the currently available evidence indicates that the variant is pathogenic, but additional data are needed to prove that conclusively. Therefore, this variant has been classified as Likely Pathogenic. Algorithms developed to predict the effect of sequence changes on RNA splicing suggest that this variant may disrupt the consensus splice site. Disruption of this splice site has been observed in individual(s) with clinical features of autosomal dominant COL2A1-related conditions (Invitae). This variant is not present in population databases (gnomAD no frequency). This sequence change affects an acceptor splice site in intron 37 of the COL2A1 gene. It is expected to disrupt RNA splicing. Variants that disrupt the donor or acceptor splice site typically lead to a loss of protein function (PMID: 16199547), and loss-of-function variants in COL2A1 are known to be pathogenic (PMID: 20179744).

Literature cited by the submitters: PubMed 16199547; PubMed 20179744.

NM_001844.5(COL2A1):c.2464-1G>T

Gene: COL2A1 (collagen type II alpha 1 chain; minus strand). Cytogenetic location: 12q13.11.
Variant type: single nucleotide variant.
Coding change: c.2464-1G>T on transcript NM_001844.5 (MANE Select); the canonical splice acceptor site of the intron before coding-DNA position 2464, G replaced by T.
Molecular consequence: splice acceptor variant.
Genome position (GRCh38, 1-based): chr12:47,980,969, C>A on the plus strand (G>T on the coding strand, the complement: COL2A1 is on the minus strand). VCF-style: chr12-47980969-C-A. GRCh37 (hg19) VCF-style: chr12-48374752-C-A.
Other names: c.2257-1G>T (NM_033150.3).
Identifiers: ClinVar variation 2753454 (VCV002753454.3), dbSNP rs1939038006, ClinGen allele CA384545073.